The following is an entry in ClinVar:

ClinVar aggregate classification (germline): Uncertain significance (1 of 4 stars; one submission).

Conditions:
Long QT syndrome (LQTS). Identifiers: MedGen C0023976, MeSH D008133, MONDO:0002442. Disease mechanism: loss of function. Inheritance: Various modes of inheritance.

Submission:

Labcorp Genetics (formerly Invitae), Labcorp
Classification: Uncertain significance for Long QT syndrome. Last evaluated: 2023-02-11. Review status: criteria provided, single submitter. Criteria: Invitae Variant Classification Sherloc (09022015). Collection method: clinical testing. Allele origin: unknown.
Comment: This variant results in a copy number gain of the genomic region encompassing exon(s) 1 of the KCNQ1 gene. This region includes the initiator codon of the gene. This copy number gain extends beyond the assayed region for this gene and therefore may encompass additional genes. As the precise location of this event is unknown, it may be in tandem or it may be located elsewhere in the genome. This variant has not been reported in the literature in individuals affected with KCNQ1-related conditions. Experimental studies and prediction algorithms are not available or were not evaluated, and the functional significance of this variant is currently unknown. In summary, the available evidence is currently insufficient to determine the role of this variant in disease. Therefore, it has been classified as a Variant of Uncertain Significance.

NC_000011.9:g.(?_2233574)_(2499178_?)dup

Genes: ASCL2 (achaete-scute family bHLH transcription factor 2; minus strand), C11orf21 (chromosome 11 open reading frame 21; minus strand), CD81 (CD81 molecule; plus strand), KCNQ1 (potassium voltage-gated channel subfamily Q member 1; plus strand), TRPM5 (transient receptor potential cation channel subfamily M member 5; minus strand) and 2 more. Cytogenetic location: 11p15.5.
Variant type: Duplication.
Identifiers: ClinVar variation 3244544 (VCV003244544.1).